The following is an entry in ClinVar:

ClinVar aggregate classification (germline): Uncertain significance (1 of 4 stars; one submission).

Submission:

GeneDx
Classification: Uncertain significance. Last evaluated: 2024-02-05. Review status: criteria provided, single submitter. Criteria: GeneDx Variant Classification Process June 2021. Collection method: clinical testing. Allele origin: germline. Affected: yes.
Comment: Not observed at significant frequency in large population cohorts (gnomAD); In silico analysis supports that this missense variant does not alter protein structure/function; Has not been previously published as pathogenic or benign to our knowledge

NM_003235.5(TG):c.7939G>C (p.Glu2647Gln)

Gene: TG (thyroglobulin; plus strand). Cytogenetic location: 8q24.22.
Variant type: single nucleotide variant.
Coding change: c.7939G>C on transcript NM_003235.5 (MANE Select); coding-DNA position 7939, G replaced by C.
Protein change: p.Glu2647Gln; replaces glutamic acid 2647 with glutamine.
Molecular consequence: missense variant.
Genome position (GRCh38, 1-based): chr8:133,131,888, G>C. VCF-style: chr8-133131888-G-C. GRCh37 (hg19) VCF-style: chr8-134144132-G-C.
Other names: short protein forms E2647Q.
Identifiers: ClinVar variation 3368845 (VCV003368845.1).